The following is an entry in ClinVar:

NM_022114.4(PRDM16):c.1706C>T (p.Thr569Met)

Gene: PRDM16 (PR/SET domain 16; plus strand). Cytogenetic location: 1p36.32.
Variant type: single nucleotide variant.
Coding change: c.1706C>T on transcript NM_022114.4 (MANE Select); coding-DNA position 1706, C replaced by T.
Protein change: p.Thr569Met; replaces threonine 569 with methionine.
Molecular consequence: missense variant.
Genome position (GRCh38, 1-based): chr1:3,411,903, C>T. VCF-style: chr1-3411903-C-T. GRCh37 (hg19) VCF-style: chr1-3328467-C-T.
Other names: c.1706C>T, p.Thr569Met (NM_199454.3); short protein forms T569M.
Identifiers: ClinVar variation 426420 (VCV000426420.17), dbSNP rs200647136, ClinGen allele CA544259.
Genomic context (GRCh38, chr1:3,411,903, plus strand): 5'-GTCCCCTGGGGAACCCAGCCCTGCCCCTGGTCTCCGCCGTCAGCAACAGCAGCCAGGGCA[C>T]GACGGCAGCTGCGGGGCCCGAGGAGAAGTTCGAGAGCCGCCTGGAGGACTCCTGTGTGGA-3'
Protein context (NP_071397.3, residues 559-579): VSAVSNSSQG[Thr569Met]TAAAGPEEKF

ClinVar aggregate classification (germline): Uncertain significance. Review status: criteria provided, multiple submitters, no conflicts (2 of 4 stars). 4 submissions from 4 submitters: Uncertain significance (4). Last evaluated 2025-12-08.

Conditions:
Left ventricular noncompaction 8 (LVNC8). Identifiers: Orphanet 154, Orphanet 54260, MedGen C3809288, MONDO:0014152, OMIM 615373.
Inborn genetic diseases. Identifiers: MedGen C0950123, MeSH D030342.

Allele frequency attached by ClinVar (database versions not stated): ExAC 0.00004; gnomAD 0.00013 and 0.00014; TOPMed 0.00017; ESP Exome Variant Server 0.00032.

Submissions (4):

Labcorp Genetics (formerly Invitae), Labcorp
Classification: Uncertain significance for Left ventricular noncompaction 8. Last evaluated: 2025-12-08. Review status: criteria provided, single submitter. Criteria: Invitae Variant Classification Sherloc (09022015). Collection method: clinical testing. Allele origin: germline.
Comment: This sequence change replaces threonine, which is neutral and polar, with methionine, which is neutral and non-polar, at codon 569 of the PRDM16 protein (p.Thr569Met). This variant is present in population databases (rs200647136, gnomAD 0.04%). This variant has not been reported in the literature in individuals affected with PRDM16-related conditions. ClinVar contains an entry for this variant (Variation ID: 426420). An algorithm developed to predict the effect of missense changes on protein structure and function (PolyPhen-2) suggests that this variant is likely to be tolerated. In summary, the available evidence is currently insufficient to determine the role of this variant in disease. Therefore, it has been classified as a Variant of Uncertain Significance.

Ambry Genetics
Classification: Uncertain significance for Inborn genetic diseases. Last evaluated: 2025-11-20. Review status: criteria provided, single submitter. Criteria: Ambry Variant Classification Scheme 2023. Collection method: clinical testing. Allele origin: germline.

GeneDx
Classification: Uncertain significance. Last evaluated: 2023-08-31. Review status: criteria provided, single submitter. Criteria: GeneDx Variant Classification Process June 2021. Collection method: clinical testing. Allele origin: germline. Affected: yes.
Comment: In silico analysis supports that this missense variant does not alter protein structure/function; Has not been previously published as pathogenic or benign to our knowledge

Laboratory for Molecular Medicine, Mass General Brigham Personalized Medicine
Classification: Uncertain significance. Last evaluated: 2016-09-01. Review status: criteria provided, single submitter. Criteria: LMM Criteria. Collection method: clinical testing. Allele origin: germline. Observed: 1 variant allele.
Comment: Variant classified as Uncertain Significance - Favor Benign. The p.Thr569Met var iant in PRDM16 has not been previously reported in individuals with cardiomyopat hy. This variant has been identified in 5/9438 African chromosomes by the Exome Aggregation Consortium (ExAC; dbSNP rs200647136) . Threonine (Thr) at position 569 is not conserved in mammals or evolutionarily distant species, raising the possibility that a change at this position may be t olerated. Additional computational prediction tools suggest that the p.Thr569Met variant may not impact the protein, though this information is not predictive e nough to rule out pathogenicity. In summary, while the clinical significance of the p.Thr569Met variant is uncertain, these data suggest that it is more likely to be benign.